The following is an entry in ClinVar:

ClinVar aggregate classification (germline): Likely pathogenic (1 of 4 stars; one submission).

Conditions:
Charcot-Marie-Tooth disease axonal type 2P. Also called: CHARCOT-MARIE-TOOTH NEUROPATHY, TYPE 2P; Charcot-Marie-Tooth Neuropathy Type 2G; CHARCOT-MARIE-TOOTH DISEASE, AXONAL, TYPE 2G; CMT 2G. Identifiers: Orphanet 300319, Orphanet 99941, MedGen C3280797, MONDO:0013753, OMIM 614436.

Submission:

Labcorp Genetics (formerly Invitae), Labcorp
Classification: Likely pathogenic for Charcot-Marie-Tooth disease axonal type 2P. Last evaluated: 2023-04-29. Review status: criteria provided, single submitter. Criteria: Invitae Variant Classification Sherloc (09022015). Collection method: clinical testing. Allele origin: germline.
Comment: In summary, the currently available evidence indicates that the variant is pathogenic, but additional data are needed to prove that conclusively. Therefore, this variant has been classified as Likely Pathogenic. This protein change is located in a region of the LRSAM1 protein where a significant number of LRSAM1 nonsense and frameshift mutations have been reported in autosomal dominant Charcot-Marie-Tooth disease (PMID: 33414056, 31211173, 29341362). This variant has not been reported in the literature in individuals affected with LRSAM1-related conditions. This variant is not present in population databases (gnomAD no frequency). This sequence change creates a premature translational stop signal (p.Cys678*) in the LRSAM1 gene. While this is not anticipated to result in nonsense mediated decay, it is expected to disrupt the last 46 amino acid(s) of the LRSAM1 protein.

Literature cited by the submitters: PubMed 33414056; PubMed 31211173; PubMed 29341362.

NM_001005373.4(LRSAM1):c.2033_2038del (p.Cys678_Glu680delinsTer)

Gene: LRSAM1 (leucine rich repeat and sterile alpha motif containing 1; plus strand). Cytogenetic location: 9q34.11.
Variant type: Deletion.
Coding change: c.2033_2038del on transcript NM_001005373.4 (MANE Select); coding-DNA positions 2033 to 2038, 6 bases deleted (GCCTGG; older notation c.2033_2038delGCCTGG).
Protein change: p.Cys678_Glu680delinsTer.
Molecular consequence: nonsense. On other transcripts: non-coding transcript variant (2).
Genome position (GRCh38, 1-based): chr9:127,501,130-127,501,135, GCCTGG deleted. VCF-style (leftmost placement, unchanged base first): chr9-127501129-TGCCTGG-T. GRCh37 (hg19) VCF-style: chr9-130263408-TGCCTGG-T.
Other names: c.2033_2038del, p.Cys678_Glu680delinsTer (NM_001005374.4, NM_001384142.1, NM_138361.5); c.1952_1957del, p.Cys651_Glu653delinsTer (NM_001190723.3); c.1934_1939del, p.Cys645_Glu647delinsTer (NM_001384143.1); c.1244_1249del, p.Cys415_Glu417delinsTer (NM_001384144.1).
Identifiers: ClinVar variation 2840086 (VCV002840086.3), dbSNP rs2539464661, ClinGen allele CA2739265058.